The following is an entry in ClinVar:

ClinVar aggregate classification (germline): Uncertain significance (1 of 4 stars; one submission).

Conditions:
Long QT syndrome (LQTS). Identifiers: MedGen C0023976, MeSH D008133, MONDO:0002442. Disease mechanism: loss of function. Inheritance: Various modes of inheritance.

Submission:

Labcorp Genetics (formerly Invitae), Labcorp
Classification: Uncertain significance for Long QT syndrome. Last evaluated: 2019-09-20. Review status: criteria provided, single submitter. Criteria: Invitae Variant Classification Sherloc (09022015). Collection method: clinical testing. Allele origin: germline.
Comment: This variant results in a copy number gain of the genomic region encompassing the full coding sequence of the KCNH2 gene. The boundaries of this event are unknown as they extend beyond the assayed region for this gene and therefore may encompass additional genes. As the precise location of this event is unknown, it may be in tandem or it may be located elsewhere in the genome. This variant has not been reported in the literature in individuals with KCNH2-related conditions. In summary, the available evidence is currently insufficient to determine the role of this variant in disease. Therefore, it has been classified as a Variant of Uncertain Significance.

NC_000007.13:g.(?_150642433)_(150675021_?)dup

Genes: KCNH2 (potassium voltage-gated channel subfamily H member 2; minus strand), LOC129999612 (ATAC-STARR-seq lymphoblastoid silent region 18787; plus strand), LOC129999611 (ATAC-STARR-seq lymphoblastoid silent region 18786; plus strand), LOC110121275 (VISTA enhancer hs2192; plus strand), LOC129999610 (ATAC-STARR-seq lymphoblastoid silent region 18785; plus strand). Cytogenetic location: 7q36.1.
Variant type: Duplication.
Identifiers: ClinVar variation 646391 (VCV000646391.2).